The following is an entry in ClinVar:

ClinVar aggregate classification (germline): Uncertain significance (1 of 4 stars; one submission).

Submission:

GeneDx
Classification: Uncertain significance. Last evaluated: 2025-03-16. Review status: criteria provided, single submitter. Criteria: GeneDx Variant Classification Process June 2021. Collection method: clinical testing. Allele origin: germline. Affected: yes.
Comment: Not observed at significant frequency in large population cohorts (gnomAD); In silico analysis supports that this missense variant has a deleterious effect on protein structure/function; Has not been previously published as pathogenic or benign to our knowledge

NM_000540.3(RYR1):c.7585G>C (p.Asp2529His)

Gene: RYR1 (ryanodine receptor 1; plus strand). Cytogenetic location: 19q13.2.
Variant type: single nucleotide variant.
Coding change: c.7585G>C on transcript NM_000540.3 (MANE Select); coding-DNA position 7585, G replaced by C.
Protein change: p.Asp2529His; replaces aspartic acid 2529 with histidine.
Molecular consequence: missense variant.
Genome position (GRCh38, 1-based): chr19:38,500,961, G>C. VCF-style: chr19-38500961-G-C. GRCh37 (hg19) VCF-style: chr19-38991601-G-C.
Other names: c.7585G>C, p.Asp2529His (NM_001042723.2); short protein forms D2529H.
Identifiers: ClinVar variation 4086749 (VCV004086749.1).